The following is an entry in ClinVar:

NM_014927.5(CNKSR2):c.271A>C (p.Lys91Gln)

Gene: CNKSR2 (connector enhancer of kinase suppressor of Ras 2; plus strand). Cytogenetic location: Xp22.12.
Variant type: single nucleotide variant.
Coding change: c.271A>C on transcript NM_014927.5 (MANE Select); coding-DNA position 271, A replaced by C.
Protein change: p.Lys91Gln; replaces lysine 91 with glutamine.
Molecular consequence: missense variant.
Genome position (GRCh38, 1-based): chrX:21,432,654, A>C. VCF-style: chrX-21432654-A-C. GRCh37 (hg19) VCF-style: chrX-21450772-A-C.
Other names: c.271A>C, p.Lys91Gln (NM_001168647.3, NM_001168648.3, NM_001168649.3 and 4 more transcripts); short protein forms K91Q.
Identifiers: ClinVar variation 3364789 (VCV003364789.1).

ClinVar aggregate classification (germline): Uncertain significance (1 of 4 stars; one submission).

Submission:

GeneDx
Classification: Uncertain significance. Last evaluated: 2023-11-21. Review status: criteria provided, single submitter. Criteria: GeneDx Variant Classification Process June 2021. Collection method: clinical testing. Allele origin: germline. Affected: yes.
Comment: Not observed at significant frequency in large population cohorts (gnomAD); In silico analysis supports that this missense variant has a deleterious effect on protein structure/function; Has not been previously published as pathogenic or benign to our knowledge